The following is an entry in ClinVar:

NM_006662.3(SRCAP):c.9322C>T (p.Pro3108Ser)

Gene: SRCAP (Snf2 related CREBBP activator protein; plus strand). Cytogenetic location: 16p11.2.
Variant type: single nucleotide variant.
Coding change: c.9322C>T on transcript NM_006662.3 (MANE Select); coding-DNA position 9322, C replaced by T.
Protein change: p.Pro3108Ser; replaces proline 3108 with serine.
Molecular consequence: missense variant.
Genome position (GRCh38, 1-based): chr16:30,739,362, C>T. VCF-style: chr16-30739362-C-T. GRCh37 (hg19) VCF-style: chr16-30750683-C-T.
Other names: short protein forms P3108S.
Identifiers: ClinVar variation 2116203 (VCV002116203.4), dbSNP rs2543431468, ClinGen allele CA395644091.

ClinVar aggregate classification (germline): Uncertain significance (1 of 4 stars; one submission).

Submission:

Labcorp Genetics (formerly Invitae), Labcorp
Classification: Uncertain significance. Last evaluated: 2022-03-23. Review status: criteria provided, single submitter. Criteria: Invitae Variant Classification Sherloc (09022015). Collection method: clinical testing. Allele origin: germline.
Comment: This sequence change replaces proline, which is neutral and non-polar, with serine, which is neutral and polar, at codon 3108 of the SRCAP protein (p.Pro3108Ser). Algorithms developed to predict the effect of missense changes on protein structure and function output the following: SIFT: "Tolerated"; PolyPhen-2: "Not Available"; Align-GVGD: "Class C0". The serine amino acid residue is found in multiple mammalian species, which suggests that this missense change does not adversely affect protein function. This variant has not been reported in the literature in individuals affected with SRCAP-related conditions. This variant is not present in population databases (gnomAD no frequency). In summary, the available evidence is currently insufficient to determine the role of this variant in disease. Therefore, it has been classified as a Variant of Uncertain Significance.